The following is an entry in ClinVar:

NM_005477.3(HCN4):c.1978+261T>C

Gene: HCN4 (hyperpolarization activated cyclic nucleotide gated potassium channel 4; minus strand). Cytogenetic location: 15q24.1.
Variant type: single nucleotide variant.
Coding change: c.1978+261T>C on transcript NM_005477.3 (MANE Select); 261 bases into the intron after coding-DNA position 1978, T replaced by C.
Molecular consequence: intron variant.
Genome position (GRCh38, 1-based): chr15:73,324,694, A>G on the plus strand (T>C on the coding strand, the complement: HCN4 is on the minus strand). VCF-style: chr15-73324694-A-G. GRCh37 (hg19) VCF-style: chr15-73617035-A-G.
Identifiers: ClinVar variation 683543 (VCV000683543.1), dbSNP rs485294, ClinGen allele CA14163040.

ClinVar aggregate classification (germline): Benign (1 of 4 stars; one submission).

Allele frequency attached by ClinVar (database versions not stated): TOPMed 0.97419; gnomAD 0.97511 and 0.97709; 1000 Genomes Project 30x 0.97533; 1000 Genomes Project 0.97624.
gnomAD v4.1: 148,838 of 152,284 alleles (98%); highest among the groups gnomAD compares: Non-Finnish European, 100%; 72,822 homozygotes.

Submission:

GeneDx
Classification: Benign. Last evaluated: 2018-06-18. Review status: criteria provided, single submitter. Criteria: GeneDx Variant Classification (06012015). Collection method: clinical testing. Allele origin: germline. Affected: yes.
Comment: This variant is considered likely benign or benign based on one or more of the following criteria: it is a conservative change, it occurs at a poorly conserved position in the protein, it is predicted to be benign by multiple in silico algorithms, and/or has population frequency not consistent with disease.